The following is an entry in ClinVar:

NM_015259.6(ICOSLG):c.158A>G (p.Tyr53Cys)

Gene: ICOSLG (inducible T cell costimulator ligand; minus strand). Cytogenetic location: 21q22.3.
Variant type: single nucleotide variant.
Coding change: c.158A>G on transcript NM_015259.6 (MANE Select); coding-DNA position 158, A replaced by G.
Protein change: p.Tyr53Cys; replaces tyrosine 53 with cysteine.
Molecular consequence: missense variant. On other transcripts: intron variant (2).
Genome position (GRCh38, 1-based): chr21:44,237,115, T>C on the plus strand (A>G on the coding strand, the complement: ICOSLG is on the minus strand). VCF-style: chr21-44237115-T-C. GRCh37 (hg19) VCF-style: chr21-45656998-T-C.
Other names: c.158A>G, p.Tyr53Cys (NM_001283050.2); c.77A>G, p.Tyr26Cys (NM_001365759.2); c.55+1333A>G (NM_001283051.2); c.-48-50A>G (NM_001283052.2); short protein forms Y53C, Y26C.
Identifiers: ClinVar variation 1372728 (VCV001372728.6), dbSNP rs2040127488, ClinGen allele CA410616560.

ClinVar aggregate classification (germline): Uncertain significance (1 of 4 stars; one submission).

Submission:

Labcorp Genetics (formerly Invitae), Labcorp
Classification: Uncertain significance. Last evaluated: 2022-06-13. Review status: criteria provided, single submitter. Criteria: Invitae Variant Classification Sherloc (09022015). Collection method: clinical testing. Allele origin: germline.
Comment: In summary, the available evidence is currently insufficient to determine the role of this variant in disease. Therefore, it has been classified as a Variant of Uncertain Significance. Algorithms developed to predict the effect of missense changes on protein structure and function are either unavailable or do not agree on the potential impact of this missense change (SIFT: "Deleterious"; PolyPhen-2: "Probably Damaging"; Align-GVGD: "Class C0"). This variant has not been reported in the literature in individuals affected with ICOSLG-related conditions. This variant is not present in population databases (gnomAD no frequency). This sequence change replaces tyrosine, which is neutral and polar, with cysteine, which is neutral and slightly polar, at codon 53 of the ICOSLG protein (p.Tyr53Cys).